The following is an entry in ClinVar:

NM_006306.4(SMC1A):c.1799A>T (p.Tyr600Phe)

Gene: SMC1A (structural maintenance of chromosomes 1A; minus strand). Cytogenetic location: Xp11.22.
Variant type: single nucleotide variant.
Coding change: c.1799A>T on transcript NM_006306.4 (MANE Select); coding-DNA position 1799, A replaced by T.
Protein change: p.Tyr600Phe; replaces tyrosine 600 with phenylalanine.
Molecular consequence: missense variant.
Genome position (GRCh38, 1-based): chrX:53,405,605, T>A on the plus strand (A>T on the coding strand, the complement: SMC1A is on the minus strand). VCF-style: chrX-53405605-T-A. GRCh37 (hg19) VCF-style: chrX-53432537-T-A.
Other names: c.1733A>T, p.Tyr578Phe (NM_001281463.1); short protein forms Y600F, Y578F.
Identifiers: ClinVar variation 1780306 (VCV001780306.6), dbSNP rs2520929186, ClinGen allele CA413253095.

ClinVar aggregate classification (germline): Conflicting classifications of pathogenicity. Review status: criteria provided, conflicting classifications (1 of 4 stars). 3 submissions from 3 submitters: Uncertain significance (2); Likely benign (1). Last evaluated 2025-01-27.

Conditions:
Inborn genetic diseases. Identifiers: MedGen C0950123, MeSH D030342.
Congenital muscular hypertrophy-cerebral syndrome (CDLS2). Also called: Cornelia de Lange syndrome 2; SMC1A-Related Cornelia de Lange Syndrome. Identifiers: Orphanet 199, MedGen C1802395, MONDO:0010370, OMIM 300590.

Submissions (3):

Labcorp Genetics (formerly Invitae), Labcorp
Classification: Uncertain significance for Congenital muscular hypertrophy-cerebral syndrome. Last evaluated: 2025-01-27. Review status: criteria provided, single submitter. Criteria: Invitae Variant Classification Sherloc (09022015). Collection method: clinical testing. Allele origin: germline.
Comment: This sequence change replaces tyrosine, which is neutral and polar, with phenylalanine, which is neutral and non-polar, at codon 600 of the SMC1A protein (p.Tyr600Phe). This variant is not present in population databases (gnomAD no frequency). This variant has not been reported in the literature in individuals affected with SMC1A-related conditions. ClinVar contains an entry for this variant (Variation ID: 1780306). Invitae Evidence Modeling of protein sequence and biophysical properties (such as structural, functional, and spatial information, amino acid conservation, physicochemical variation, residue mobility, and thermodynamic stability) indicates that this missense variant is not expected to disrupt SMC1A protein function with a negative predictive value of 80%. In summary, the available evidence is currently insufficient to determine the role of this variant in disease. Therefore, it has been classified as a Variant of Uncertain Significance.

GeneDx
Classification: Uncertain significance. Last evaluated: 2024-12-13. Review status: criteria provided, single submitter. Criteria: GeneDx Variant Classification Process June 2021. Collection method: clinical testing. Allele origin: germline. Affected: yes.
Comment: Not observed at significant frequency in large population cohorts (gnomAD); Missense variants in this gene are a common cause of disease and they are underrepresented in the general population; In silico analysis indicates that this missense variant does not alter protein structure/function; Has not been previously published as pathogenic or benign to our knowledge

Ambry Genetics
Classification: Likely benign for Inborn genetic diseases. Last evaluated: 2018-01-04. Review status: criteria provided, single submitter. Criteria: Ambry Variant Classification Scheme 2023. Collection method: clinical testing. Allele origin: germline.